The following is an entry in ClinVar:

ClinVar aggregate classification (germline): Uncertain significance. Review status: criteria provided, multiple submitters, no conflicts (2 of 4 stars). 3 submissions from 3 submitters: Uncertain significance (3). Last evaluated 2026-02-01.

Allele frequency attached by ClinVar (database versions not stated): TOPMed 0.00012; ESP Exome Variant Server 0.00015; gnomAD exomes 0.00015; gnomAD 0.00016 and 0.00017.
gnomAD v4.1: 427 of 1,596,732 alleles (0.027%); highest among the groups gnomAD compares: Non-Finnish European, 0.035%; no homozygotes.

Submissions (3):

Labcorp Genetics (formerly Invitae), Labcorp
Classification: Uncertain significance. Last evaluated: 2026-02-01. Review status: criteria provided, single submitter. Criteria: Invitae Variant Classification Sherloc (09022015). Collection method: clinical testing. Allele origin: germline.
Comment: This sequence change replaces proline, which is neutral and non-polar, with leucine, which is neutral and non-polar, at codon 190 of the MKL1 protein (p.Pro190Leu). The frequency data for this variant in the population databases is considered unreliable, as metrics indicate poor data quality at this position in the gnomAD database. This variant has not been reported in the literature in individuals affected with MKL1-related conditions. ClinVar contains an entry for this variant (Variation ID: 1011679). An algorithm developed to predict the effect of missense changes on protein structure and function (PolyPhen-2) suggests that this variant is likely to be tolerated. In summary, the available evidence is currently insufficient to determine the role of this variant in disease. Therefore, it has been classified as a Variant of Uncertain Significance.

Ambry Genetics
Classification: Uncertain significance. Last evaluated: 2025-08-10. Review status: criteria provided, single submitter. Criteria: Ambry Variant Classification Scheme 2023. Collection method: clinical testing. Allele origin: germline.

Genetic Services Laboratory, University of Chicago
Classification: Uncertain significance. Last evaluated: 2021-07-23. Review status: criteria provided, single submitter. Criteria: ACMG Guidelines, 2015. Collection method: clinical testing. Allele origin: germline. Affected: no.
Comment: DNA sequence analysis of the MRTFA gene demonstrated a sequence change, c.869C>T, in exon 9 that results in an amino acid change, p.Pro290Leu. This sequence change does not appear to have been previously described in individuals with MRTFA-related disorders. This sequence change has been described in the gnomAD database with a frequency of 0.027% in the non-Finnish European subpopulation (dbSNP rs200309955). The p.Pro290Leu change affects a moderately conserved amino acid residue located in a domain of the MRTFA protein that is not known to be functional. In-silico pathogenicity prediction tools (SIFT, PolyPhen2, Align GVGD, REVEL) provide contradictory results for the p.Pro290Leu substitution. Due to insufficient evidences and the lack of functional studies, the clinical significance of the p.Pro290Leu change remains unknown at this time.

NM_020831.6(MRTFA):c.869C>T (p.Pro290Leu)

Gene: MRTFA (myocardin related transcription factor A; minus strand). Cytogenetic location: 22q13.1.
Variant type: single nucleotide variant.
Coding change: c.869C>T on transcript NM_020831.6 (MANE Select); coding-DNA position 869, C replaced by T.
Protein change: p.Pro290Leu; replaces proline 290 with leucine.
Molecular consequence: missense variant. On other transcripts: intron variant (1).
Genome position (GRCh38, 1-based): chr22:40,423,594, G>A on the plus strand (C>T on the coding strand, the complement: MRTFA is on the minus strand). VCF-style: chr22-40423594-G-A. GRCh37 (hg19) VCF-style: chr22-40819598-G-A.
Other names: c.569C>T, p.Pro190Leu (NM_001282660.2); c.869C>T, p.Pro290Leu (NM_001282662.3); c.674C>T, p.Pro225Leu (NM_001318139.2); c.777+612C>T (NM_001282661.3); c.569C>T (NM_020831.3); short protein forms P190L, P225L, P290L.
Identifiers: ClinVar variation 1011679 (VCV001011679.13), dbSNP rs200309955, ClinGen allele CA10249849.